The following is an entry in ClinVar:

NM_000059.4(BRCA2):c.7926del (p.Phe2642fs)

Gene: BRCA2 (BRCA2 DNA repair associated; plus strand). Cytogenetic location: 13q13.1.
Variant type: Deletion.
Coding change: c.7926del on transcript NM_000059.4 (MANE Select); coding-DNA position 7926, one base deleted (T; older notation c.7926delT).
Protein change: p.Phe2642fs; shifts the reading frame from phenylalanine 2642.
Molecular consequence: frameshift variant.
Genome position (GRCh38, 1-based): chr13:32,362,643, T deleted; the last of 3 consecutive T bases (chr13:32,362,641-32,362,643); deleting any one gives the same sequence. VCF-style (leftmost placement, unchanged base first): chr13-32362640-AT-A. GRCh37 (hg19) VCF-style: chr13-32936777-AT-A.
Other names: c.7926delT (NM_000059.3); short protein forms F2642fs.
Identifiers: ClinVar variation 52435 (VCV000052435.4), dbSNP rs397507944, ClinGen allele CA025337.

ClinVar aggregate classification (germline): Pathogenic. Review status: reviewed by expert panel (3 of 4 stars). 3 submissions from 3 submitters: Pathogenic (1). 2 of the submissions do not count toward it. Last evaluated 2017-12-15.

Conditions:
Breast-ovarian cancer, familial, susceptibility to, 2 (BROVCA2). Also called: BRCA2 Hereditary Breast and Ovarian Cancer. Identifiers: Orphanet 145, MedGen C2675520, MONDO:0012933, OMIM 612555. Disease mechanism: loss of function.

Submissions (3):

Evidence-based Network for the Interpretation of Germline Mutant Alleles (ENIGMA)
Classification: Pathogenic for Breast-ovarian cancer, familial, susceptibility to, 2. Last evaluated: 2017-12-15. Review status: reviewed by expert panel. Criteria: ENIGMA BRCA1/2 Classification Criteria (2017-06-29). Collection method: curation. Allele origin: germline. Study: ENIGMA.
Comment: Variant allele predicted to encode a truncated non-functional protein.

Myriad Genetics, Inc.
Classification: Pathogenic for Breast-ovarian cancer, familial, susceptibility to, 2. Last evaluated: 2025-08-13. Review status: criteria provided, single submitter. Criteria: Myriad Autosomal Dominant, Autosomal Recessive and X-Linked Classification Criteria (2023). Collection method: clinical testing. Allele origin: unknown. Not counted in ClinVar's aggregate classification.
Comment: This variant is considered pathogenic. This variant creates a frameshift predicted to result in premature protein truncation.

Genologica Medica
Classification: Pathogenic for Breast-ovarian cancer, familial, susceptibility to, 2. Last evaluated: 2017-01-01. Review status: criteria provided, single submitter. Criteria: ACMG Guidelines, 2015. Collection method: clinical testing. Allele origin: germline. Affected: yes. Not counted in ClinVar's aggregate classification.